The following is an entry in ClinVar:

NM_000059.4(BRCA2):c.8846G>T (p.Arg2949Met)

Gene: BRCA2 (BRCA2 DNA repair associated; plus strand). Cytogenetic location: 13q13.1.
Variant type: single nucleotide variant.
Coding change: c.8846G>T on transcript NM_000059.4 (MANE Select); coding-DNA position 8846, G replaced by T.
Protein change: p.Arg2949Met; replaces arginine 2949 with methionine.
Molecular consequence: missense variant. On other transcripts: non-coding transcript variant (1).
Genome position (GRCh38, 1-based): chr13:32,379,408, G>T. VCF-style: chr13-32379408-G-T. GRCh37 (hg19) VCF-style: chr13-32953545-G-T.
Other names: c.8750G>T, p.Arg2917Met (NM_001406719.1); c.8846G>T, p.Arg2949Met (NM_001406720.1, NM_001432077.1); c.3914G>T, p.Arg1305Met (NM_001406721.1); c.2429G>T, p.Arg810Met (NM_001406722.1); short protein forms R1305M, R2917M, R2949M, R810M.
Identifiers: ClinVar variation 4802356 (VCV004802356.1).

ClinVar aggregate classification (germline): Uncertain significance (1 of 4 stars; one submission).

Conditions:
Hereditary breast ovarian cancer syndrome. Also called: Hereditary breast and ovarian cancer syndrome (HBOC); Hereditary breast and ovarian cancer; Breast and ovarian cancer; Hereditary breast and/or ovarian cancer syndrome; BRCA1- and BRCA2-Associated Hereditary Breast and Ovarian Cancer; Hereditary breast and ovarian cancer syndrome. Identifiers: Orphanet 145, MedGen C0677776, MeSH D061325, MONDO:0003582. Disease mechanism: loss of function.

Submission:

Labcorp Genetics (formerly Invitae), Labcorp
Classification: Uncertain significance for Hereditary breast ovarian cancer syndrome. Last evaluated: 2025-08-20. Review status: criteria provided, single submitter. Criteria: Invitae Variant Classification Sherloc (09022015). Collection method: clinical testing. Allele origin: germline.
Comment: This sequence change replaces arginine, which is basic and polar, with methionine, which is neutral and non-polar, at codon 2949 of the BRCA2 protein (p.Arg2949Met). This variant is not present in population databases (gnomAD no frequency). This variant has not been reported in the literature in individuals affected with BRCA2-related conditions. Invitae Evidence Modeling of protein sequence and biophysical properties (such as structural, functional, and spatial information, amino acid conservation, physicochemical variation, residue mobility, and thermodynamic stability) indicates that this missense variant is not expected to disrupt BRCA2 protein function with a negative predictive value of 95%. In summary, the available evidence is currently insufficient to determine the role of this variant in disease. Therefore, it has been classified as a Variant of Uncertain Significance.